The following is an entry in ClinVar:

NM_000257.4(MYH7):c.2378G>C (p.Arg793Pro)

Genes: MYH7 (myosin heavy chain 7; minus strand), LOC126861898 (BRD4-independent group 4 enhancer GRCh37_chr14:23893609-23894808; plus strand). Cytogenetic location: 14q11.2.
Variant type: single nucleotide variant.
Coding change: c.2378G>C on transcript NM_000257.4 (MANE Select); coding-DNA position 2378, G replaced by C.
Protein change: p.Arg793Pro; replaces arginine 793 with proline.
Molecular consequence: missense variant.
Genome position (GRCh38, 1-based): chr14:23,425,327, C>G on the plus strand (G>C on the coding strand, the complement: MYH7 is on the minus strand). VCF-style: chr14-23425327-C-G. GRCh37 (hg19) VCF-style: chr14-23894536-C-G.
Other names: short protein forms R793P.
Identifiers: ClinVar variation 646703 (VCV000646703.9), dbSNP rs730880896, ClinGen allele CA389048542.
Genomic context (GRCh38, chr14:23,425,327, plus strand): 5'-CTTGAGATCTCTCACCTACGTTCCAGCAGCTTTTTGTACTCCATTCTGGCGAGCACACCT[C>G]GGGACTGGGCCTGGATACGCGTGATGATGCGGCTCAGCCTCTCGTCCCTCATTTCCTCCA-3'
Protein context (NP_000248.2, residues 783-803): RIITRIQAQS[Arg793Pro]GVLARMEYKK

ClinVar aggregate classification (germline): Uncertain significance. Review status: criteria provided, multiple submitters, no conflicts (2 of 4 stars). 2 submissions from 2 submitters: Uncertain significance (2). Last evaluated 2025-08-11.

Conditions:
Cardiomyopathy (CMYO). Also called: Cardiomyopathies. Identifiers: Orphanet 167848, MedGen C0878544, MONDO:0004994, HP:0001638. Inheritance: Various modes of inheritance.
Hypertrophic cardiomyopathy. Also called: HYPERTROPHIC MYOCARDIOPATHY. Identifiers: Orphanet 217569, MedGen C0007194, MeSH D002312, MONDO:0005045, HP:0001639.

Submissions (2):

Color Diagnostics, LLC DBA Color Health
Classification: Uncertain significance for Cardiomyopathy. Last evaluated: 2025-08-11. Review status: criteria provided, single submitter. Criteria: ACMG Guidelines, 2015. Collection method: clinical testing. Allele origin: germline.
Comment: This missense variant replaces arginine with proline at codon 793 of the MYH7 protein. Computational prediction suggests that this variant may have deleterious impact on protein structure and function. To our knowledge, functional studies have not been reported for this variant. This variant has not been reported in individuals affected with MYH7-related disorders in the literature. This variant has not been identified in the general population by the Genome Aggregation Database (gnomAD). The available evidence is insufficient to determine the role of this variant in disease conclusively. Therefore, this variant is classified as a Variant of Uncertain Significance.

Labcorp Genetics (formerly Invitae), Labcorp
Classification: Uncertain significance for Hypertrophic cardiomyopathy. Last evaluated: 2018-10-31. Review status: criteria provided, single submitter. Criteria: Invitae Variant Classification Sherloc (09022015). Collection method: clinical testing. Allele origin: germline.
Comment: In summary, the available evidence is currently insufficient to determine the role of this variant in disease. Therefore, it has been classified as a Variant of Uncertain Significance. This variant is found within a region of MYH7 between codons 181 and 937 that contains the majority of the myosin head domain. Missense variants in this region have been shown to be significantly overrepresented in individuals with hypertrophic cardiomyopathy (PMID: 27532257). Algorithms developed to predict the effect of missense changes on protein structure and function (SIFT, PolyPhen-2, Align-GVGD) all suggest that this variant is likely to be disruptive, but these predictions have not been confirmed by published functional studies and their clinical significance is uncertain. This variant has not been reported in the literature in individuals with MYH7-related disease. This variant is not present in population databases (ExAC no frequency). This sequence change replaces arginine with proline at codon 793 of the MYH7 protein (p.Arg793Pro). The arginine residue is highly conserved and there is a moderate physicochemical difference between arginine and proline.

Literature cited by the submitters: PubMed 27532257 (cited by Labcorp Genetics (formerly Invitae), Labcorp).